The following is an entry in ClinVar:

NM_001085487.3(MYSM1):c.365C>T (p.Thr122Met)

Gene: MYSM1 (Myb like, SWIRM and MPN domains 1; minus strand). Cytogenetic location: 1p32.1.
Variant type: single nucleotide variant.
Coding change: c.365C>T on transcript NM_001085487.3 (MANE Select); coding-DNA position 365, C replaced by T.
Protein change: p.Thr122Met; replaces threonine 122 with methionine.
Molecular consequence: missense variant.
Genome position (GRCh38, 1-based): chr1:58,689,072, G>A on the plus strand (C>T on the coding strand, the complement: MYSM1 is on the minus strand). VCF-style: chr1-58689072-G-A. GRCh37 (hg19) VCF-style: chr1-59154744-G-A.
Other names: c.365C>T (NM_001085487.2); short protein forms T122M.
Identifiers: ClinVar variation 2896366 (VCV002896366.3), dbSNP rs751390112, ClinGen allele CA878042.

ClinVar aggregate classification (germline): Uncertain significance. Review status: criteria provided, multiple submitters, no conflicts (2 of 4 stars). 2 submissions from 2 submitters: Uncertain significance (2). Last evaluated 2024-11-24.

Conditions:
Inborn genetic diseases. Identifiers: MedGen C0950123, MeSH D030342.

Allele frequency attached by ClinVar (database versions not stated): TOPMed below 0.00001; ExAC 0.00001; gnomAD exomes 0.00001.
gnomAD v4.1: 10 of 1,610,266 alleles (0.00062%); highest among the groups gnomAD compares: East Asian, 0.0022%; no homozygotes.

Submissions (2):

Ambry Genetics
Classification: Uncertain significance for Inborn genetic diseases. Last evaluated: 2024-11-24. Review status: criteria provided, single submitter. Criteria: Ambry Variant Classification Scheme 2023. Collection method: clinical testing. Allele origin: germline.

Labcorp Genetics (formerly Invitae), Labcorp
Classification: Uncertain significance. Last evaluated: 2023-08-30. Review status: criteria provided, single submitter. Criteria: Invitae Variant Classification Sherloc (09022015). Collection method: clinical testing. Allele origin: germline.
Comment: In summary, the available evidence is currently insufficient to determine the role of this variant in disease. Therefore, it has been classified as a Variant of Uncertain Significance. Algorithms developed to predict the effect of sequence changes on RNA splicing suggest that this variant may disrupt the consensus splice site. Advanced modeling of protein sequence and biophysical properties (such as structural, functional, and spatial information, amino acid conservation, physicochemical variation, residue mobility, and thermodynamic stability) performed at Invitae indicates that this missense variant is expected to disrupt MYSM1 protein function. This variant has not been reported in the literature in individuals affected with MYSM1-related conditions. This variant is present in population databases (rs751390112, gnomAD 0.006%). This sequence change replaces threonine, which is neutral and polar, with methionine, which is neutral and non-polar, at codon 122 of the MYSM1 protein (p.Thr122Met).